The following continues an entry in ClinVar:

NM_001256317.3(TMPRSS3):c.916G>A (p.Ala306Thr)

Gene: TMPRSS3. ClinVar aggregate classification (germline): Pathogenic/Likely pathogenic. Pathogenic (20); Likely pathogenic (1).

Submissions 12 to 23 of 23:

Labcorp Genetics (formerly Invitae), Labcorp
Classification: Pathogenic. Last evaluated: 2024-04-15. Review status: criteria provided, single submitter. Criteria: Invitae Variant Classification Sherloc (09022015). Collection method: clinical testing. Allele origin: germline.
Comment: This sequence change replaces alanine, which is neutral and non-polar, with threonine, which is neutral and polar, at codon 306 of the TMPRSS3 protein (p.Ala306Thr). This variant is present in population databases (rs181949335, gnomAD 0.06%). This missense change has been observed in individual(s) with non-syndromic hearing loss (PMID: 17551081, 23208854, 24526180, 28246597, 28695016, 31045651). In at least one individual the data is consistent with being in trans (on the opposite chromosome) from a pathogenic variant. It is commonly reported in individuals of Korean and Chinese ancestry (PMID: 24526180, 28695016). ClinVar contains an entry for this variant (Variation ID: 46131). Advanced modeling of protein sequence and biophysical properties (such as structural, functional, and spatial information, amino acid conservation, physicochemical variation, residue mobility, and thermodynamic stability) performed at Invitae indicates that this missense variant is expected to disrupt TMPRSS3 protein function with a positive predictive value of 80%. For these reasons, this variant has been classified as Pathogenic.

Fulgent Genetics
Classification: Pathogenic for Autosomal recessive nonsyndromic hearing loss 8. Last evaluated: 2024-03-20. Review status: criteria provided, single submitter. Criteria: ACMG Guidelines, 2015. Collection method: clinical testing. Allele origin: germline.

3billion
Classification: Pathogenic for Autosomal recessive nonsyndromic hearing loss 8. Last evaluated: 2024-02-24. Review status: criteria provided, single submitter. Criteria: ACMG Guidelines, 2015. Collection method: clinical testing. Allele origin: germline. Affected: yes.
Comment: The variant is observed at an extremely low frequency in the gnomAD v2.1.1 dataset (total allele frequency: 0.015%). Predicted Consequence/Location: Missense variant Functional studies provide strong evidence of the variant having a damaging effect on the gene or gene product (PMID: 24526180). In silico tool predictions suggest damaging effect of the variant on gene or gene product [REVEL: 0.85 (>=0.6, sensitivity 0.68 and specificity 0.92); 3Cnet: 0.52 (>=0.6, sensitivity 0.72 and precision 0.9)]. Same nucleotide change resulting in same amino acid change has been previously reported as pathogenic/likely pathogenic with strong evidence (ClinVar ID: VCV000046131 /PMID: 17551081 /3billion dataset). The variant has been reported to be in trans with a pathogenic variant as either compound heterozygous or homozygous in at least one similarly affected unrelated individual (PMID: 23958653, 24526180). The variant has been reported to co-segregate with the disease in at least one similarly affected relative/individual in the same family or similarly affected unrelated family (PMID: 23958653). A different missense change at the same codon (p.Ala306Val) has been reported to be associated with TMPRSS3 related disorder (ClinVar ID: VCV002445668). Therefore, this variant is classified as Pathogenic according to the recommendation of ACMG/AMP guideline.

Department of Otolaryngology – Head & Neck Surgery, Cochlear Implant Center
Classification: Likely pathogenic for Hearing impairment. Last evaluated: 2021-04-12. Review status: criteria provided, single submitter. Criteria: ClinGen HL ACMG Specifications v1. Collection method: clinical testing. Allele origin: germline. Affected: yes.
Comment: PS1_Strong, PM2_Moderate, PP3_Supporting

Center of Genomic medicine, Geneva, University Hospital of Geneva
Classification: Pathogenic for Autosomal recessive nonsyndromic hearing loss 8. Last evaluated: 2021-02-10. Review status: criteria provided, single submitter. Criteria: ACMG Guidelines, 2015. Collection method: clinical testing. Allele origin: paternal. Affected: yes. Observed: 1 variant allele.

Laboratory for Molecular Medicine, Mass General Brigham Personalized Medicine
Classification: Pathogenic for Rare genetic deafness. Last evaluated: 2019-03-12. Review status: criteria provided, single submitter. Criteria: LMM Criteria. Collection method: clinical testing. Allele origin: germline. Inheritance: Autosomal recessive inheritance. Observed: 3 variant alleles.
Comment: The p.Ala306Thr variant in TMPRSS3 has been reported in >10 individuals with autosomal recessive hearing loss and segregated in >10 affected relatives in >5 families (Elbracht 2007, Weegerink 2011, Schrauwen 2012, Lee 2013, Chung 2014, Gao 2017a, Gao 2017b). All affected individuals were either homozygous or compound heterozygous. This variant has also been identified in 0.06% (12/19954) of East Asian chromosomes by gnomAD. However, this frequency is low enough to be consistent with a recessive carrier frequency. In vitro functional studies support an impact on protein function (Chung 2014). Computational prediction tools and conservation analysis also support a functional impact. In summary, the p.Ala306Thr variant meets criteria to be classified as pathogenic for autosomal recessive nonsyndromic hearing loss. ACMG/AMP criteria applied: PM3_VeryStrong, PP1_Strong, PM2_Supporting, PP3, PS3_Supporting.

Illumina Laboratory Services, Illumina
Classification: Pathogenic for Autosomal recessive nonsyndromic hearing loss 8. Last evaluated: 2018-09-06. Review status: criteria provided, single submitter. Criteria: ICSL Variant Classification Criteria 09 May 2019. Collection method: clinical testing. Allele origin: germline.
Comment: Across a selection of the available literature, the TMPRSS3 c.916G>A (p.Ala306Thr) variant has been identified in a homozygous state in two siblings and in a compound heterozygous state in 15 individuals from nine families with autosomal recessive hearing loss (Elbracht et al. 2007; Weegerink et al. 2011; Lee et al. 2013; Chung et al. 2014; Gao et al. 2017). The variant was also found in a heterozygous state in at least three family members with normal hearing. Co-segregation of the variant with disease was demonstrated in at least one family (Gao et al. 2017), and has been suggested to be a founder variant in the Korean population, as two families with the variant were found to share the same haplotype (Chung et al. 2014). The p.Ala306Thr variant was absent from 1770 control chromosomes and is reported at a frequency of 0.00104 in the East Asian population of the Exome Aggregation Consortium. An in vitro yeast-based protease assay showed that the p.Ala306Thr variant-containing protein exhibited significantly reduced protease activity compared to the wild type protein as well as proteins containing other missense variants, consistent with the location of the variant near the Asp304 active site (Chung et al. 2014). Based on the collective evidence, the p.Ala306Thr variant is classified as pathogenic for autosomal recessive nonsyndromic hearing loss. This variant was observed by ICSL as part of a predisposition screen in an ostensibly healthy population.

Eurofins Ntd Llc (ga)
Classification: Pathogenic. Last evaluated: 2018-04-04. Review status: criteria provided, single submitter. Criteria: EGL ClinVar v180209 classification definitions. Collection method: clinical testing. Allele origin: germline. Observed: 1 variant allele, 1 heterozygote.

Juno Genomics, Hangzhou Juno Genomics, Inc
Classification: Pathogenic for Autosomal recessive nonsyndromic hearing loss 8. Review status: criteria provided, single submitter. Criteria: ACMG Guidelines, 2015. Collection method: clinical testing. Allele origin: germline.
Comment: Absent from controls (or at extremely low frequency if recessive) in Genome Aggregation Database.;For recessive disorders, detected in trans with a pathogenic variant.;Co-segregation with disease in multiple affected family members.;Multiple lines of computational evidence support a deleterious effect on the gene or gene product.

Laboratory of Molecular, Cellular and Translation Genetics in Otolaryngology/ Lim32-hcfmusp, University of Sao Paulo School of Medicine Clinics Hospital
Classification: Pathogenic for Autosomal recessive nonsyndromic hearing loss 8. Review status: criteria provided, single submitter. Criteria: ClinGen HL ACMG Specifications v1. Collection method: research. Allele origin: germline. Inheritance: Autosomal recessive inheritance. Affected: yes. Observed: 3 variant alleles, 3 compound heterozygotes. Clinical features observed: Postlingual sensorineural hearing impairment (HP:0008596). Segregation with disease observed.
Comment: in compound heterozygosis with the c.1276G>A variant in three siblings with bilateral non-syndromic sensorineural postlingual progressive hearing loss; 7 normal hearing heterozygous of either variant, 2 normal hearing w/o variants (familial)

Clinical Genetics DNA and cytogenetics Diagnostics Lab, Erasmus MC, Erasmus Medical Center
Classification: Pathogenic. Review status: no assertion criteria provided. Collection method: clinical testing. Allele origin: germline. Affected: yes. Study: VKGL Data-share Consensus. Not counted in ClinVar's aggregate classification.

Joint Genome Diagnostic Labs from Nijmegen and Maastricht, Radboudumc and MUMC+
Classification: Pathogenic. Review status: no assertion criteria provided. Collection method: clinical testing. Allele origin: germline. Affected: yes. Study: VKGL Data-share Consensus. Not counted in ClinVar's aggregate classification.

Literature cited by the submitters: PubMed 24526180 (cited by 6 submitters); PubMed 28205611 (cited by Institute of Rare Diseases, West China Hospital, Sichuan University); PubMed 34599368 (cited by 3 submitters); PubMed 37331337 (cited by Victorian Clinical Genetics Services, Murdoch Childrens Research Institute); PubMed 28246597 (cited by 5 submitters); PubMed 17551081 (cited by 6 submitters); PubMed 23208854 (cited by 3 submitters); PubMed 28695016 (cited by 4 submitters); PubMed 31045651 (cited by Labcorp Genetics (formerly Invitae), Labcorp); PubMed 23958653 (cited by 3 submitters); PubMed 21786053 (cited by Laboratory for Molecular Medicine, Mass General Brigham Personalized Medicine and Illumina Laboratory Services, Illumina).